The following is an entry in ClinVar:

NM_000287.4(PEX6):c.1195G>A (p.Ala399Thr)

Gene: PEX6 (peroxisomal biogenesis factor 6; minus strand). Cytogenetic location: 6p21.1.
Variant type: single nucleotide variant.
Coding change: c.1195G>A on transcript NM_000287.4 (MANE Select); coding-DNA position 1195, G replaced by A.
Protein change: p.Ala399Thr; replaces alanine 399 with threonine.
Molecular consequence: missense variant. On other transcripts: non-coding transcript variant (1).
Genome position (GRCh38, 1-based): chr6:42,969,923, C>T on the plus strand (G>A on the coding strand, the complement: PEX6 is on the minus strand). VCF-style: chr6-42969923-C-T. GRCh37 (hg19) VCF-style: chr6-42937661-C-T.
Other names: c.931G>A, p.Ala311Thr (NM_001316313.2); short protein forms A311T, A399T.
Identifiers: ClinVar variation 967518 (VCV000967518.11), dbSNP rs564483086, ClinGen allele CA3811414.

ClinVar aggregate classification (germline): Uncertain significance. Review status: criteria provided, multiple submitters, no conflicts (2 of 4 stars). 6 submissions from 6 submitters: Uncertain significance (4). 2 of the submissions do not count toward it. Last evaluated 2024-12-02.

Conditions:
Peroxisome biogenesis disorder 4A (Zellweger) (PBD4A). Also called: Zellweger syndrome spectrum (PEX6-related). Identifiers: Orphanet 912, MedGen C3553936, MONDO:0013930, OMIM 614862. Disease mechanism: loss of function.
Peroxisome biogenesis disorder 4B (PBD4B). Also called: SPINOCEREBELLAR ATAXIA WITH BLINDNESS AND DEAFNESS 1. Identifiers: Orphanet 44, Orphanet 95433, MedGen C3553937, MONDO:0013931, OMIM 614863.
Heimler syndrome 2 (HMLR2). Also called: PEROXISOME BIOGENESIS DISORDER 4C. Identifiers: Orphanet 3220, MedGen C4225267, OMIM 616617, MONDO:0014709.
PEX6-related disorder. Also called: PEX6-related condition; PEX6-related disorders.
Zellweger spectrum disorders (ZS). Also called: Zellweger Spectrum Disorder; Zellweger Spectrum; Zellweger syndrome; Zellweger Spectrum Disorder (ZSD). Identifiers: Orphanet 912, MedGen C0043459, MONDO:0019609.
Peroxisome biogenesis disorder. Identifiers: Orphanet 79189, MedGen C1832200, MONDO:0019234. Disease mechanism: loss of function.

Allele frequency attached by ClinVar (database versions not stated): ExAC 0.00002; gnomAD 0.00003; gnomAD exomes 0.00003; TOPMed 0.00003.

Submissions (6):

Labcorp Genetics (formerly Invitae), Labcorp
Classification: Uncertain significance for Peroxisome biogenesis disorder. Last evaluated: 2024-12-02. Review status: criteria provided, single submitter. Criteria: Invitae Variant Classification Sherloc (09022015). Collection method: clinical testing. Allele origin: germline.
Comment: This sequence change replaces alanine, which is neutral and non-polar, with threonine, which is neutral and polar, at codon 399 of the PEX6 protein (p.Ala399Thr). This variant is present in population databases (rs564483086, gnomAD 0.005%). This variant has not been reported in the literature in individuals affected with PEX6-related conditions. ClinVar contains an entry for this variant (Variation ID: 967518). Invitae Evidence Modeling of protein sequence and biophysical properties (such as structural, functional, and spatial information, amino acid conservation, physicochemical variation, residue mobility, and thermodynamic stability) indicates that this missense variant is not expected to disrupt PEX6 protein function with a negative predictive value of 95%. In summary, the available evidence is currently insufficient to determine the role of this variant in disease. Therefore, it has been classified as a Variant of Uncertain Significance.

Blueprint Genetics
Classification: Uncertain significance. Last evaluated: 2023-01-12. Review status: criteria provided, single submitter. Criteria: ACMG Guidelines, 2015. Collection method: clinical testing. Allele origin: germline.

Fulgent Genetics
Classification: Uncertain significance for Peroxisome biogenesis disorder 4A (Zellweger); Peroxisome biogenesis disorder 4B; Heimler syndrome 2. Last evaluated: 2021-12-28. Review status: criteria provided, single submitter. Criteria: ACMG Guidelines, 2015. Collection method: clinical testing. Allele origin: unknown.

Breakthrough Genomics
Classification: Uncertain significance. Review status: criteria provided, single submitter. Criteria: ACMG Guidelines, 2015. Collection method: not provided. Allele origin: germline. Inheritance: Autosomal recessive inheritance. Affected: yes.

PreventionGenetics, part of Exact Sciences
Classification: Uncertain significance for PEX6-related condition. Last evaluated: 2024-09-27. Review status: no assertion criteria provided. Collection method: clinical testing. Allele origin: germline. Not counted in ClinVar's aggregate classification.
Comment: The PEX6 c.1195G>A variant is predicted to result in the amino acid substitution p.Ala399Thr. To our knowledge, this variant has not been reported in the literature. This variant is reported in 0.0054% of alleles in individuals of European (Non-Finnish) descent in gnomAD. At this time, the clinical significance of this variant is uncertain due to the absence of conclusive functional and genetic evidence.

Natera, Inc.
Classification: Uncertain significance for Zellweger syndrome. Last evaluated: 2020-04-17. Review status: no assertion criteria provided. Collection method: clinical testing. Allele origin: germline. Not counted in ClinVar's aggregate classification.